The following is an entry in ClinVar:

ClinVar aggregate classification (germline): Uncertain significance (1 of 4 stars; one submission).

Conditions:
Familial sleep-related hypermotor epilepsy. Also called: Autosomal Dominant Sleep-Related Hypermotor (Hyperkinetic) Epilepsy. Identifiers: Orphanet 98784, MedGen C3696898, MONDO:0000030.

Submission:

Labcorp Genetics (formerly Invitae), Labcorp
Classification: Uncertain significance. Last evaluated: 2024-06-23. Review status: criteria provided, single submitter. Criteria: Invitae Variant Classification Sherloc (09022015). Collection method: clinical testing. Allele origin: germline.
Comment: This sequence change replaces glycine, which is neutral and non-polar, with aspartic acid, which is acidic and polar, at codon 15 of the CHRNB2 protein (p.Gly15Asp). This variant is not present in population databases (gnomAD no frequency). This variant has not been reported in the literature in individuals affected with CHRNB2-related conditions. Advanced modeling of protein sequence and biophysical properties (such as structural, functional, and spatial information, amino acid conservation, physicochemical variation, residue mobility, and thermodynamic stability) performed at Invitae indicates that this missense variant is not expected to disrupt CHRNB2 protein function with a negative predictive value of 95%. In summary, the available evidence is currently insufficient to determine the role of this variant in disease. Therefore, it has been classified as a Variant of Uncertain Significance.

NM_000748.3(CHRNB2):c.44G>A (p.Gly15Asp)

Gene: CHRNB2 (cholinergic receptor nicotinic beta 2 subunit; plus strand). Cytogenetic location: 1q21.3.
Variant type: single nucleotide variant.
Coding change: c.44G>A on transcript NM_000748.3 (MANE Select); coding-DNA position 44, G replaced by A.
Protein change: p.Gly15Asp; replaces glycine 15 with aspartic acid.
Molecular consequence: missense variant.
Genome position (GRCh38, 1-based): chr1:154,568,088, G>A. VCF-style: chr1-154568088-G-A. GRCh37 (hg19) VCF-style: chr1-154540564-G-A.
Other names: short protein forms G15D.
Identifiers: ClinVar variation 3667400 (VCV003667400.2).